The following is an entry in ClinVar:

NM_001395159.1(UNC79):c.1653G>T (p.Lys551Asn)

Gene: UNC79 (unc-79 homolog, NALCN channel complex subunit; plus strand). Cytogenetic location: 14q32.12.
Variant type: single nucleotide variant.
Coding change: c.1653G>T on transcript NM_001395159.1 (MANE Select); coding-DNA position 1653, G replaced by T.
Protein change: p.Lys551Asn; replaces lysine 551 with asparagine.
Molecular consequence: missense variant.
Genome position (GRCh38, 1-based): chr14:93,542,594, G>T. VCF-style: chr14-93542594-G-T. GRCh37 (hg19) VCF-style: chr14-94008940-G-T.
Other names: c.1653G>T, p.Lys551Asn (NM_001346218.2); c.1122G>T, p.Lys374Asn (NM_020818.5); short protein forms K374N, K551N.
Identifiers: ClinVar variation 3900938 (VCV003900938.1).

ClinVar aggregate classification (germline): Uncertain significance (1 of 4 stars; one submission).

Submission:

GeneDx
Classification: Uncertain significance. Last evaluated: 2024-11-27. Review status: criteria provided, single submitter. Criteria: GeneDx Variant Classification Process June 2021. Collection method: clinical testing. Allele origin: germline. Affected: yes.
Comment: Not observed at significant frequency in large population cohorts (gnomAD); In silico analysis supports that this missense variant has a deleterious effect on protein structure/function; Has not been previously published as pathogenic or benign to our knowledge